The following is an entry in ClinVar:

ClinVar aggregate classification (germline): Conflicting classifications of pathogenicity. Review status: criteria provided, conflicting classifications (1 of 4 stars). 5 submissions from 5 submitters: Uncertain significance (3); Likely benign (1). 1 of the submissions does not count toward it. Last evaluated 2023-03-23.

Conditions:
Hereditary breast ovarian cancer syndrome. Also called: Hereditary breast and ovarian cancer syndrome; Hereditary breast and ovarian cancer; Hereditary breast and ovarian cancer syndrome (HBOC); Breast and ovarian cancer; Hereditary breast and/or ovarian cancer syndrome; BRCA1- and BRCA2-Associated Hereditary Breast and Ovarian Cancer. Identifiers: Orphanet 145, MedGen C0677776, MeSH D061325, MONDO:0003582. Disease mechanism: loss of function.
Breast-ovarian cancer, familial, susceptibility to, 2 (BROVCA2). Also called: BRCA2 Hereditary Breast and Ovarian Cancer. Identifiers: Orphanet 145, MedGen C2675520, MONDO:0012933, OMIM 612555. Disease mechanism: loss of function.
Hereditary cancer-predisposing syndrome. Also called: Neoplastic Syndromes, Hereditary; Tumor predisposition; Hereditary neoplastic syndrome; Hereditary Cancer Syndrome. Identifiers: Orphanet 140162, MedGen C0027672, MeSH D009386, MONDO:0015356.

Submissions (5):

University of Washington Department of Laboratory Medicine, University of Washington
Classification: Likely benign for Hereditary cancer-predisposing syndrome. Last evaluated: 2023-03-23. Review status: criteria provided, single submitter. Criteria: Dines et al. (Genet Med. 2020). Collection method: curation. Allele origin: germline.
Comment: Missense variant in a coldspot region where missense variants are very unlikely to be pathogenic (PMID:31911673).

BRCA2 exon 11 coldspot. Reclassification based on statistical prior probability.

All of Us Research Program, National Institutes of Health
Classification: Uncertain significance for Breast-ovarian cancer, familial, susceptibility to, 2. Last evaluated: 2023-02-24. Review status: criteria provided, single submitter. Criteria: ACMG Guidelines, 2015. Collection method: clinical testing. Allele origin: germline. Inheritance: Autosomal dominant inheritance. Observed: 1 variant allele, 1 heterozygote.
Comment: This missense variant replaces cysteine with tryptophan at codon 1975 of the BRCA2 protein. Computational prediction is inconclusive regarding the impact of this variant on protein structure and function (internally defined REVEL score threshold 0.5 < inconclusive < 0.7, PMID: 27666373). To our knowledge, functional studies have not been reported for this variant. This variant has not been reported in individuals affected with BRCA2-related disorders in the literature. This variant has not been identified in the general population by the Genome Aggregation Database (gnomAD). The available evidence is insufficient to determine the role of this variant in disease conclusively. Therefore, this variant is classified as a Variant of Uncertain Significance.

This study involves interpretation of variants in research participants for the purpose of population health screening. Participant phenotype was not available at the time of variant classification. Additional details can be found in publication PMID: 35346344, PMCID: PMC8962531

Labcorp Genetics (formerly Invitae), Labcorp
Classification: Uncertain significance for Hereditary breast ovarian cancer syndrome. Last evaluated: 2022-10-25. Review status: criteria provided, single submitter. Criteria: Invitae Variant Classification Sherloc (09022015). Collection method: clinical testing. Allele origin: germline.
Comment: In summary, the available evidence is currently insufficient to determine the role of this variant in disease. Therefore, it has been classified as a Variant of Uncertain Significance. Advanced modeling of protein sequence and biophysical properties (such as structural, functional, and spatial information, amino acid conservation, physicochemical variation, residue mobility, and thermodynamic stability) performed at Invitae indicates that this missense variant is not expected to disrupt BRCA2 protein function. ClinVar contains an entry for this variant (Variation ID: 51965). This variant has not been reported in the literature in individuals affected with BRCA2-related conditions. This variant is not present in population databases (gnomAD no frequency). This sequence change replaces cysteine, which is neutral and slightly polar, with tryptophan, which is neutral and slightly polar, at codon 1975 of the BRCA2 protein (p.Cys1975Trp).

Ambry Genetics
Classification: Uncertain significance for Hereditary cancer-predisposing syndrome. Last evaluated: 2019-03-09. Review status: criteria provided, single submitter. Criteria: Ambry Variant Classification Scheme 2023. Collection method: clinical testing. Allele origin: germline.
Comment: The p.C1975W variant (also known as c.5925T>G), located in coding exon 10 of the BRCA2 gene, results from a T to G substitution at nucleotide position 5925. The cysteine at codon 1975 is replaced by tryptophan, an amino acid with highly dissimilar properties. This amino acid position is not well conserved in available vertebrate species. In addition, the in silico prediction for this alteration is inconclusive. Since supporting evidence is limited at this time, the clinical significance of this alteration remains unclear.

Breast Cancer Information Core (BIC) (BRCA2)
Classification: Uncertain significance for Breast-ovarian cancer, familial 2. Last evaluated: 2004-02-20. Review status: no assertion criteria provided. Collection method: clinical testing. Allele origin: germline. Affected: yes. Observed: 2 variant alleles. Not counted in ClinVar's aggregate classification.

NM_000059.4(BRCA2):c.5925T>G (p.Cys1975Trp)

Gene: BRCA2 (BRCA2 DNA repair associated; plus strand). Cytogenetic location: 13q13.1.
Variant type: single nucleotide variant.
Coding change: c.5925T>G on transcript NM_000059.4 (MANE Select); coding-DNA position 5925, T replaced by G.
Protein change: p.Cys1975Trp; replaces cysteine 1975 with tryptophan.
Molecular consequence: missense variant.
Genome position (GRCh38, 1-based): chr13:32,340,280, T>G. VCF-style: chr13-32340280-T-G. GRCh37 (hg19) VCF-style: chr13-32914417-T-G.
Other names: short protein forms C1975W.
Identifiers: ClinVar variation 51965 (VCV000051965.11), dbSNP rs80358825, ClinGen allele CA023374.